The following is an entry in ClinVar:

NM_001211.6(BUB1B):c.581+7T>G

Gene: BUB1B (BUB1 mitotic checkpoint serine/threonine kinase B; plus strand). Cytogenetic location: 15q15.1.
Variant type: single nucleotide variant.
Coding change: c.581+7T>G on transcript NM_001211.6 (MANE Select); 7 bases into the intron after coding-DNA position 581, T replaced by G.
Molecular consequence: intron variant.
Genome position (GRCh38, 1-based): chr15:40,176,680, T>G. VCF-style: chr15-40176680-T-G. GRCh37 (hg19) VCF-style: chr15-40468881-T-G.
Identifiers: ClinVar variation 736042 (VCV000736042.11), dbSNP rs1595514579, ClinGen allele CA915946521.
Genomic context (GRCh38, chr15:40,176,680, plus strand): 5'-GGAAGGGATTCAACAGAAGGCTGAACCACTAGAAAGACTACAGTCCCAGCACCGGTAAAC[T>G]TTCTTTGGAGCTTGTCTTAACTCTAAAAATAATAGAAATAAATTATCTCTTTTTTGCATC-3'

ClinVar aggregate classification (germline): Likely benign. Review status: criteria provided, single submitter (1 of 4 stars). 2 submissions from 2 submitters: Likely benign (1). 1 of the submissions does not count toward it. Last evaluated 2024-09-05.

Conditions:
Mosaic variegated aneuploidy syndrome 1 (MVA1). Also called: Warburton-Anyane-Yeboa syndrome. Identifiers: Orphanet 1052, MedGen C1850343, MONDO:0009759, OMIM 257300.
BUB1B-related disorder. Also called: BUB1B-related condition.

Submissions (2):

Labcorp Genetics (formerly Invitae), Labcorp
Classification: Likely benign for Mosaic variegated aneuploidy syndrome 1. Last evaluated: 2024-09-05. Review status: criteria provided, single submitter. Criteria: Invitae Variant Classification Sherloc (09022015). Collection method: clinical testing. Allele origin: germline.

PreventionGenetics, part of Exact Sciences
Classification: Likely benign for BUB1B-related condition. Last evaluated: 2020-01-31. Review status: no assertion criteria provided. Collection method: clinical testing. Allele origin: germline. Not counted in ClinVar's aggregate classification.
Comment: This variant is classified as likely benign based on ACMG/AMP sequence variant interpretation guidelines (Richards et al. 2015 PMID: 25741868, with internal and published modifications).